The following is an entry in ClinVar:

NM_001379451.1(BCORL1):c.3305A>G (p.Lys1102Arg)

Gene: BCORL1 (BCL6 corepressor like 1; plus strand). Cytogenetic location: Xq26.1.
Variant type: single nucleotide variant.
Coding change: c.3305A>G on transcript NM_001379451.1 (MANE Select); coding-DNA position 3305, A replaced by G.
Protein change: p.Lys1102Arg; replaces lysine 1102 with arginine.
Molecular consequence: missense variant.
Genome position (GRCh38, 1-based): chrX:130,016,077, A>G. VCF-style: chrX-130016077-A-G. GRCh37 (hg19) VCF-style: chrX-129150053-A-G.
Other names: NC_000023.10:g.129150053A>G; c.3305A>G, p.Lys1102Arg (NM_021946.5, NM_001184772.3, NM_001379450.1); short protein forms K1102R.
Identifiers: ClinVar variation 3379375 (VCV003379375.3).

ClinVar aggregate classification (germline): Uncertain significance (0 of 4 stars; one submission).

Conditions:
Shukla-Vernon syndrome. Identifiers: MedGen C5193146, MONDO:0026727, OMIM 301029.

Submissions (2):

Genetics laboratory, Institute of Kidney Diseases & Research Centre Dr. H.L. Trivedi Institute Of Transplantation Sciences
Classification: Uncertain significance for Shukla-Vernon syndrome. Last evaluated: 2024-04-17. Review status: no assertion criteria provided. Collection method: clinical testing. Allele origin: germline. Inheritance: X-linked recessive inheritance. Affected: yes. Observed: 1 variant allele, 1 hemizygote.
Comment: A hemizygous missense variant c.3305A>G in exon 4 of the BCORL1 gene (chrX:129150053; Depth: 13x) was detected. The variant has not been observed in 1000 Genomes, gnomAD and TopMed population databases. In silico pathogenicity prediction is deleterious by CADD. Partial clinical phenotype match is observed in this patient. Based on the aforementioned data, the variant is classified as a variant of uncertain significance according to the ACMG-AMP classification system and ClinGen framework.

Dr. Peter K. Rogan Lab, Western University
No classification provided (evidence only). Condition: Thyroid cancer, nonmedullary, 1. Review status: no classification provided. Collection method: in vitro. Allele origin: not applicable. Functional consequence: retained intron. Not counted in ClinVar's aggregate classification.